The following is an entry in ClinVar:

NM_001244008.2(KIF1A):c.3585-4A>G

Gene: KIF1A (kinesin family member 1A; minus strand). Cytogenetic location: 2q37.3.
Variant type: single nucleotide variant.
Coding change: c.3585-4A>G on transcript NM_001244008.2 (MANE Select); 4 bases into the intron before coding-DNA position 3585, A replaced by G.
Molecular consequence: intron variant.
Genome position (GRCh38, 1-based): chr2:240,742,988, T>C on the plus strand (A>G on the coding strand, the complement: KIF1A is on the minus strand). VCF-style: chr2-240742988-T-C. GRCh37 (hg19) VCF-style: chr2-241682405-T-C.
Other names: c.3282-4A>G (NM_001379653.1, NM_001379650.1, NM_001379641.1 and 5 more transcripts); c.3558-4A>G (NM_001379645.1, NM_001379633.1, NM_001379642.1); c.3384-4A>G (NM_001379635.1, NM_001330290.2, NM_001379646.1 and 1 more transcripts); c.3279-4A>G (NM_001379640.1); c.3534-4A>G (NM_001379632.1); c.3357-4A>G (NM_001379637.1, NM_001379648.1); c.3309-4A>G (NM_001320705.2, NM_001379638.1, NM_001330289.2); c.3660-4A>G (NM_001379631.1).
Identifiers: ClinVar variation 1101344 (VCV001101344.15), dbSNP rs755269372, ClinGen allele CA2207744.
Genomic context (GRCh38, chr2:240,742,988, plus strand): 5'-CCTGGCTTGGACAGTGGCATGACCCGAGGGAAGTGGCGGCGCGAGGGCCTCAGGGGGCTG[T>C]GGAGAAAGGACCAGTGTGAGGTGTTTGCGGGACCCTGGGCGGGAGGGGTCAGAAGGAGAC-3'

ClinVar aggregate classification (germline): Conflicting classifications of pathogenicity. Review status: criteria provided, conflicting classifications (1 of 4 stars). 4 submissions from 4 submitters: Uncertain significance (2); Likely benign (2). Last evaluated 2026-02-24.

Conditions:
KIF1A-related disorder. Also called: KIF1A-related disorders; KIF1A-related condition.
Inborn genetic diseases. Identifiers: MedGen C0950123, MeSH D030342.
Hereditary spastic paraplegia. Also called: Familial spastic paraparesis. Identifiers: Orphanet 685, MedGen C0037773, MONDO:0019064. Disease mechanism: loss of function.
Hereditary spastic paraplegia 30. Identifiers: Orphanet 101010, MedGen C5235139, MONDO:0012476.
Neuropathy, hereditary sensory, type 2C. Also called: Hereditary sensory and autonomic neuropathy type IIC; KIF1A-Related HSAN2 (HSAN2C). Identifiers: Orphanet 970, MedGen C3280168, MONDO:0013634, OMIM 614213.
Intellectual disability, autosomal dominant 9 (NESCAVS). Also called: KIF1A-Related Neurodevelopmental Disorder; NESCAV SYNDROME. Identifiers: Orphanet 662367, MedGen C5393830, MONDO:0013656, OMIM 614255.

Allele frequency attached by ClinVar (database versions not stated): TOPMed below 0.00001; ExAC 0.00001; gnomAD exomes 0.00001 and below 0.00001.
gnomAD v4.1: 18 of 1,606,788 alleles (0.0011%); highest among the groups gnomAD compares: Non-Finnish European, 0.0014%; no homozygotes.

Submissions (4):

PreventionGenetics, part of Exact Sciences
Classification: Likely benign for KIF1A-related condition. Last evaluated: 2026-02-24. Review status: criteria provided, single submitter. Criteria: ACMG Guidelines, 2015. Collection method: clinical testing. Allele origin: germline.
Comment: This variant is classified as likely benign based on ACMG/AMP sequence variant interpretation guidelines (Richards et al. 2015 PMID: 25741868, with internal and published modifications).

Labcorp Genetics (formerly Invitae), Labcorp
Classification: Likely benign for Hereditary spastic paraplegia 30; Neuropathy, hereditary sensory, type 2C; Intellectual disability, autosomal dominant 9. Last evaluated: 2026-01-01. Review status: criteria provided, single submitter. Criteria: Invitae Variant Classification Sherloc (09022015). Collection method: clinical testing. Allele origin: germline.

Genome Diagnostics Laboratory, The Hospital for Sick Children
Classification: Uncertain significance for Hereditary spastic paraplegia. Last evaluated: 2021-05-21. Review status: criteria provided, single submitter. Criteria: ACMG Guidelines, 2015. Collection method: clinical testing. Allele origin: germline. Affected: yes.

Ambry Genetics
Classification: Uncertain significance for Inborn genetic diseases. Last evaluated: 2020-12-11. Review status: criteria provided, single submitter. Criteria: Ambry Variant Classification Scheme 2023. Collection method: clinical testing. Allele origin: germline.
Comment: The c.3585-4A>G intronic variant results from an A to G substitution 4 nucleotides upstream from coding exon 33 in the KIF1A gene. This nucleotide position is not well conserved in available vertebrate species. In silico splice site analysis predicts that this alteration will not have any significant effect on splicing. Since supporting evidence is limited at this time, the clinical significance of this alteration remains unclear.